The following is an entry in ClinVar:

ClinVar aggregate classification (germline): Uncertain significance (1 of 4 stars; one submission).

Submission:

GeneDx
Classification: Uncertain significance. Last evaluated: 2023-05-26. Review status: criteria provided, single submitter. Criteria: GeneDx Variant Classification Process June 2021. Collection method: clinical testing. Allele origin: germline. Affected: yes.
Comment: Not observed at significant frequency in large population cohorts (gnomAD); In silico analysis supports that this missense variant has a deleterious effect on protein structure/function; Has not been previously published as pathogenic or benign to our knowledge

NM_017934.7(PHIP):c.663A>C (p.Leu221Phe)

Gene: PHIP (PHIP subunit of CUL4-Ring ligase complex; minus strand). Cytogenetic location: 6q14.1.
Variant type: single nucleotide variant.
Coding change: c.663A>C on transcript NM_017934.7 (MANE Select); coding-DNA position 663, A replaced by C.
Protein change: p.Leu221Phe; replaces leucine 221 with phenylalanine.
Molecular consequence: missense variant.
Genome position (GRCh38, 1-based): chr6:79,026,102, T>G on the plus strand (A>C on the coding strand, the complement: PHIP is on the minus strand). VCF-style: chr6-79026102-T-G. GRCh37 (hg19) VCF-style: chr6-79735819-T-G.
Other names: short protein forms L221F.
Identifiers: ClinVar variation 3362195 (VCV003362195.1).